The following is an entry in ClinVar:

ClinVar aggregate classification (germline): Uncertain significance (1 of 4 stars; one submission).

Conditions:
Episodic ataxia type 2 (EA2). Also called: ATAXIA, EPISODIC, WITH NYSTAGMUS; ATAXIA, FAMILIAL PAROXYSMAL; CEREBELLAR ATAXIA, PAROXYSMAL, ACETAZOLAMIDE-RESPONSIVE; CEREBELLOPATHY, HEREDITARY PAROXYSMAL; ACETAZOLAMIDE-RESPONSIVE HEREDITARY PAROXYSMAL CEREBELLAR ATAXIA; EPISODIC ATAXIA, NYSTAGMUS-ASSOCIATED. Identifiers: Orphanet 97, MedGen C1720416, MONDO:0007163, OMIM 108500.
Developmental and epileptic encephalopathy, 42 (DEE42A). Also called: DEVELOPMENTAL AND EPILEPTIC ENCEPHALOPATHY 42A; EPILEPTIC ENCEPHALOPATHY, EARLY INFANTILE, 42A; Epileptic encephalopathy, early infantile, 42. Identifiers: MedGen C4310716, MONDO:0014917, OMIM 617106.

Submission:

Labcorp Genetics (formerly Invitae), Labcorp
Classification: Uncertain significance for Developmental and epileptic encephalopathy, 42; Episodic ataxia type 2. Last evaluated: 2025-02-24. Review status: criteria provided, single submitter. Criteria: Invitae Variant Classification Sherloc (09022015). Collection method: clinical testing. Allele origin: germline.
Comment: This sequence change replaces glutamic acid, which is acidic and polar, with aspartic acid, which is acidic and polar, at codon 1999 of the CACNA1A protein (p.Glu1999Asp). This variant is not present in population databases (gnomAD no frequency). This variant has not been reported in the literature in individuals affected with CACNA1A-related conditions. ClinVar contains an entry for this variant (Variation ID: 1514690). Invitae Evidence Modeling of protein sequence and biophysical properties (such as structural, functional, and spatial information, amino acid conservation, physicochemical variation, residue mobility, and thermodynamic stability) indicates that this missense variant is not expected to disrupt CACNA1A protein function with a negative predictive value of 95%. In summary, the available evidence is currently insufficient to determine the role of this variant in disease. Therefore, it has been classified as a Variant of Uncertain Significance.

NM_001127222.2(CACNA1A):c.5994A>C (p.Glu1998Asp)

Gene: CACNA1A (calcium voltage-gated channel subunit alpha1 A; minus strand). Cytogenetic location: 19p13.13.
Variant type: single nucleotide variant.
Coding change: c.5994A>C on transcript NM_001127222.2 (MANE Select); coding-DNA position 5994, A replaced by C.
Protein change: p.Glu1998Asp; replaces glutamic acid 1998 with aspartic acid.
Molecular consequence: missense variant.
Genome position (GRCh38, 1-based): chr19:13,212,687, T>G on the plus strand (A>C on the coding strand, the complement: CACNA1A is on the minus strand). VCF-style: chr19-13212687-T-G. GRCh37 (hg19) VCF-style: chr19-13323501-T-G.
Other names: c.6012A>C, p.Glu2004Asp (NM_000068.4, NM_023035.3); c.5997A>C, p.Glu1999Asp (NM_001127221.2); c.6003A>C, p.Glu2001Asp (NM_001174080.2); short protein forms E2001D, E1999D, E2004D, E1998D.
Identifiers: ClinVar variation 1514690 (VCV001514690.8), dbSNP rs16045, ClinGen allele CA404333516.